The following is an entry in ClinVar:

ClinVar aggregate classification (germline): Uncertain significance. Review status: criteria provided, multiple submitters, no conflicts (2 of 4 stars). 2 submissions from 2 submitters: Uncertain significance (2). Last evaluated 2025-07-20.

Conditions:
Long QT syndrome (LQTS). Identifiers: MedGen C0023976, MeSH D008133, MONDO:0002442. Disease mechanism: loss of function. Inheritance: Various modes of inheritance.

gnomAD v4.1: 1 of 1,613,752 alleles (0.000062%); highest among the groups gnomAD compares: Non-Finnish European, 0.000085%; no homozygotes.

Submissions (2):

Labcorp Genetics (formerly Invitae), Labcorp
Classification: Uncertain significance for Long QT syndrome. Last evaluated: 2025-07-20. Review status: criteria provided, single submitter. Criteria: Invitae Variant Classification Sherloc (09022015). Collection method: clinical testing. Allele origin: germline.
Comment: This sequence change replaces arginine, which is basic and polar, with leucine, which is neutral and non-polar, at codon 312 of the KCNH2 protein (p.Arg312Leu). This variant is not present in population databases (gnomAD no frequency). This variant has not been reported in the literature in individuals affected with KCNH2-related conditions. ClinVar contains an entry for this variant (Variation ID: 2164527). An algorithm developed to predict the effect of missense changes on protein structure and function (PolyPhen-2) suggests that this variant is likely to be disruptive. In summary, the available evidence is currently insufficient to determine the role of this variant in disease. Therefore, it has been classified as a Variant of Uncertain Significance.

All of Us Research Program, National Institutes of Health
Classification: Uncertain significance for Long QT syndrome. Last evaluated: 2024-09-23. Review status: criteria provided, single submitter. Criteria: ACMG Guidelines, 2015. Collection method: clinical testing. Allele origin: germline. Inheritance: Autosomal dominant inheritance. Observed: 1 variant allele, 1 heterozygote.
Comment: This study involves interpretation of variants in research participants for the purpose of population health screening. Participant phenotype was not available at the time of variant classification. Additional details can be found in publication PMID: 35346344, PMCID: PMC8962531

NM_000238.4(KCNH2):c.935G>T (p.Arg312Leu)

Gene: KCNH2 (potassium voltage-gated channel subfamily H member 2; minus strand). Cytogenetic location: 7q36.1.
Variant type: single nucleotide variant.
Coding change: c.935G>T on transcript NM_000238.4 (MANE Select); coding-DNA position 935, G replaced by T.
Protein change: p.Arg312Leu; replaces arginine 312 with leucine.
Molecular consequence: missense variant.
Genome position (GRCh38, 1-based): chr7:150,957,484, C>A on the plus strand (G>T on the coding strand, the complement: KCNH2 is on the minus strand). VCF-style: chr7-150957484-C-A. GRCh37 (hg19) VCF-style: chr7-150654572-C-A.
Other names: c.647G>T, p.Arg216Leu (NM_001406753.1, NM_001406756.1); c.758G>T, p.Arg253Leu (NM_001406755.1); c.635G>T, p.Arg212Leu (NM_001406757.1); c.935G>T, p.Arg312Leu (NM_172056.3); short protein forms R312L, R212L, R216L, R253L.
Identifiers: ClinVar variation 2164527 (VCV002164527.5), dbSNP rs747313232, ClinGen allele CA16622034.